The following is an entry in ClinVar:

NM_001385641.1(SAMD11):c.1115G>A (p.Arg372His)

Gene: SAMD11 (sterile alpha motif domain containing 11; plus strand). Cytogenetic location: 1p36.33.
Variant type: single nucleotide variant.
Coding change: c.1115G>A on transcript NM_001385641.1 (MANE Select); coding-DNA position 1115, G replaced by A.
Protein change: p.Arg372His; replaces arginine 372 with histidine.
Molecular consequence: missense variant.
Genome position (GRCh38, 1-based): chr1:939,332, G>A. VCF-style: chr1-939332-G-A. GRCh37 (hg19) VCF-style: chr1-874712-G-A.
Other names: c.1118G>A, p.Arg373His (NM_001385640.1); c.578G>A, p.Arg193His (NM_152486.4); short protein forms R372H, R193H, R373H.
Identifiers: ClinVar variation 1393423 (VCV001393423.5), dbSNP rs763350273, ClinGen allele CA502712.

ClinVar aggregate classification (germline): Uncertain significance (1 of 4 stars; one submission).

Allele frequency attached by ClinVar (database versions not stated): gnomAD 0.00001; TOPMed 0.00001; gnomAD exomes 0.00002; ExAC 0.00003.
gnomAD v4.1: 25 of 1,611,926 alleles (0.0016%); highest among the groups gnomAD compares: East Asian, 0.016%; no homozygotes.

Submission:

Labcorp Genetics (formerly Invitae), Labcorp
Classification: Uncertain significance. Last evaluated: 2025-01-01. Review status: criteria provided, single submitter. Criteria: Invitae Variant Classification Sherloc (09022015). Collection method: clinical testing. Allele origin: germline.
Comment: This sequence change replaces arginine, which is basic and polar, with histidine, which is basic and polar, at codon 193 of the SAMD11 protein (p.Arg193His). This variant is present in population databases (rs763350273, gnomAD 0.02%). This variant has not been reported in the literature in individuals affected with SAMD11-related conditions. ClinVar contains an entry for this variant (Variation ID: 1393423). An algorithm developed to predict the effect of missense changes on protein structure and function outputs the following: PolyPhen-2: "Benign". The histidine amino acid residue is found in multiple mammalian species, which suggests that this missense change does not adversely affect protein function. In summary, the available evidence is currently insufficient to determine the role of this variant in disease. Therefore, it has been classified as a Variant of Uncertain Significance.